The following is an entry in ClinVar:

ClinVar aggregate classification (germline): Uncertain significance. Review status: criteria provided, multiple submitters, no conflicts (2 of 4 stars). 2 submissions from 2 submitters: Uncertain significance (2). Last evaluated 2025-10-06.

Conditions:
Inborn genetic diseases. Identifiers: MedGen C0950123, MeSH D030342.

Allele frequency attached by ClinVar (database versions not stated): ExAC 0.00001; gnomAD 0.00001; gnomAD exomes 0.00002; TOPMed 0.00003.
gnomAD v4.1: 28 of 1,613,258 alleles (0.0017%); highest among the groups gnomAD compares: Non-Finnish European, 0.0022%; no homozygotes.

Submissions (2):

Ambry Genetics
Classification: Uncertain significance for Inborn genetic diseases. Last evaluated: 2025-10-06. Review status: criteria provided, single submitter. Criteria: Ambry Variant Classification Scheme 2023. Collection method: clinical testing. Allele origin: germline.

Labcorp Genetics (formerly Invitae), Labcorp
Classification: Uncertain significance. Last evaluated: 2025-07-20. Review status: criteria provided, single submitter. Criteria: Invitae Variant Classification Sherloc (09022015). Collection method: clinical testing. Allele origin: germline.
Comment: This sequence change replaces arginine, which is basic and polar, with cysteine, which is neutral and slightly polar, at codon 1202 of the COL7A1 protein (p.Arg1202Cys). This variant is present in population databases (rs754979304, gnomAD 0.003%). This variant has not been reported in the literature in individuals affected with COL7A1-related conditions. ClinVar contains an entry for this variant (Variation ID: 1418723). Invitae Evidence Modeling of protein sequence and biophysical properties (such as structural, functional, and spatial information, amino acid conservation, physicochemical variation, residue mobility, and thermodynamic stability) has been performed for this missense variant. However, the output from this modeling did not meet the statistical confidence thresholds required to predict the impact of this variant on COL7A1 protein function. In summary, the available evidence is currently insufficient to determine the role of this variant in disease. Therefore, it has been classified as a Variant of Uncertain Significance.

NM_000094.4(COL7A1):c.3604C>T (p.Arg1202Cys)

Gene: COL7A1 (collagen type VII alpha 1 chain; minus strand). Cytogenetic location: 3p21.31.
Variant type: single nucleotide variant.
Coding change: c.3604C>T on transcript NM_000094.4 (MANE Select); coding-DNA position 3604, C replaced by T.
Protein change: p.Arg1202Cys; replaces arginine 1202 with cysteine.
Molecular consequence: missense variant.
Genome position (GRCh38, 1-based): chr3:48,586,193, G>A on the plus strand (C>T on the coding strand, the complement: COL7A1 is on the minus strand). VCF-style: chr3-48586193-G-A. GRCh37 (hg19) VCF-style: chr3-48623626-G-A.
Other names: c.3604C>T (NM_000094.3); short protein forms R1202C.
Identifiers: ClinVar variation 1418723 (VCV001418723.6), dbSNP rs754979304, ClinGen allele CA2380467.